The following is an entry in ClinVar:

NM_139276.3(STAT3):c.2063G>A (p.Arg688Gln)

Gene: STAT3 (signal transducer and activator of transcription 3; minus strand). Cytogenetic location: 17q21.2.
Variant type: single nucleotide variant.
Coding change: c.2063G>A on transcript NM_139276.3 (MANE Select); coding-DNA position 2063, G replaced by A.
Protein change: p.Arg688Gln; replaces arginine 688 with glutamine.
Molecular consequence: missense variant.
Genome position (GRCh38, 1-based): chr17:42,322,320, C>T on the plus strand (G>A on the coding strand, the complement: STAT3 is on the minus strand). VCF-style: chr17-42322320-C-T. GRCh37 (hg19) VCF-style: chr17-40474338-C-T.
Other names: c.2063G>A, p.Arg688Gln (NM_001369512.1, NM_001369513.1, NM_001369514.1 and 9 more transcripts); c.1979G>A, p.Arg660Gln (NM_001384984.1); c.1985G>A, p.Arg662Gln (NM_001384985.1); c.2078G>A, p.Arg693Gln (NM_001384986.1, NM_001384990.1); c.2042G>A, p.Arg681Gln (NM_001384987.1); c.1967G>A, p.Arg656Gln (NM_001384989.1); c.2036G>A, p.Arg679Gln (NM_001384991.1); c.2003G>A, p.Arg668Gln (NM_001384992.1); short protein forms R679Q, R681Q, R693Q, R656Q, R660Q, R688Q, R668Q, R662Q.
Identifiers: ClinVar variation 2937270 (VCV002937270.3), dbSNP rs2081517069, ClinGen allele CA399581402.
Genomic context (GRCh38, chr17:42,322,320, plus strand): 5'-AGGAACATGGAAAATCAACAACTACCTGGGTCAGCTTCAGGATGCTCCTGGCTCTCTGGC[C>T]GACAATACTTTCCGAATGCCTCCTCCTTGGGAATGTCAGGATAGAGATAGACCAGTGGAG-3'
Protein context (NP_644805.1, residues 678-698): PKEEAFGKYC[Arg688Gln]PESQEHPEAD

ClinVar aggregate classification (germline): Uncertain significance (1 of 4 stars; one submission).

Conditions:
Hyper-IgE recurrent infection syndrome 1, autosomal dominant. Also called: JOB SYNDROME; Job's Syndrome; STAT3 Hyper IgE Syndrome; Hyper-IgE recurrent infection syndrome 1; HYPER-IgE SYNDROME 1, AUTOSOMAL DOMINANT, WITH RECURRENT INFECTIONS. Identifiers: Orphanet 2314, MedGen C2936739, MONDO:0007818, OMIM 147060.
STAT3 gain of function. Identifiers: MedGen C4288261.

Allele frequency attached by ClinVar (database versions not stated): gnomAD exomes below 0.00001; gnomAD 0.00001.
gnomAD v4.1: 4 of 1,614,056 alleles (0.00025%); highest among the groups gnomAD compares: African/African-American, 0.0013%; no homozygotes.

Submission:

Labcorp Genetics (formerly Invitae), Labcorp
Classification: Uncertain significance for STAT3 gain of function; Hyper-IgE recurrent infection syndrome 1, autosomal dominant. Last evaluated: 2023-06-20. Review status: criteria provided, single submitter. Criteria: Invitae Variant Classification Sherloc (09022015). Collection method: clinical testing. Allele origin: germline.
Comment: This sequence change replaces arginine, which is basic and polar, with glutamine, which is neutral and polar, at codon 688 of the STAT3 protein (p.Arg688Gln). This variant is not present in population databases (gnomAD no frequency). This variant has not been reported in the literature in individuals affected with STAT3-related conditions. Advanced modeling of protein sequence and biophysical properties (such as structural, functional, and spatial information, amino acid conservation, physicochemical variation, residue mobility, and thermodynamic stability) performed at Invitae indicates that this missense variant is not expected to disrupt STAT3 protein function. In summary, the available evidence is currently insufficient to determine the role of this variant in disease. Therefore, it has been classified as a Variant of Uncertain Significance.